The following is an entry in ClinVar:

ClinVar aggregate classification (germline): Uncertain significance. Review status: criteria provided, multiple submitters, no conflicts (2 of 4 stars). 2 submissions from 2 submitters: Uncertain significance (2). Last evaluated 2026-01-02.

Conditions:
Inborn genetic diseases. Identifiers: MedGen C0950123, MeSH D030342.

Allele frequency attached by ClinVar (database versions not stated): gnomAD 0.00001; gnomAD exomes 0.00002 and 0.00006; TOPMed 0.00002; ExAC 0.00003; ESP Exome Variant Server 0.00008.

Submissions (2):

Labcorp Genetics (formerly Invitae), Labcorp
Classification: Uncertain significance. Last evaluated: 2026-01-02. Review status: criteria provided, single submitter. Criteria: Invitae Variant Classification Sherloc (09022015). Collection method: clinical testing. Allele origin: germline.
Comment: This sequence change replaces arginine, which is basic and polar, with cysteine, which is neutral and slightly polar, at codon 581 of the C1S protein (p.Arg581Cys). This variant is present in population databases (rs373197181, gnomAD 0.02%). This variant has not been reported in the literature in individuals affected with C1S-related conditions. ClinVar contains an entry for this variant (Variation ID: 1413439). Invitae Evidence Modeling of protein sequence and biophysical properties (such as structural, functional, and spatial information, amino acid conservation, physicochemical variation, residue mobility, and thermodynamic stability) indicates that this missense variant is expected to disrupt C1S protein function with a positive predictive value of 80%. In summary, the available evidence is currently insufficient to determine the role of this variant in disease. Therefore, it has been classified as a Variant of Uncertain Significance.

Ambry Genetics
Classification: Uncertain significance for Inborn genetic diseases. Last evaluated: 2025-10-02. Review status: criteria provided, single submitter. Criteria: Ambry Variant Classification Scheme 2023. Collection method: clinical testing. Allele origin: germline.

NM_001734.5(C1S):c.1741C>T (p.Arg581Cys)

Gene: C1S (complement C1s; plus strand). Cytogenetic location: 12p13.31.
Variant type: single nucleotide variant.
Coding change: c.1741C>T on transcript NM_001734.5 (MANE Select); coding-DNA position 1741, C replaced by T.
Protein change: p.Arg581Cys; replaces arginine 581 with cysteine.
Molecular consequence: missense variant.
Genome position (GRCh38, 1-based): chr12:7,070,325, C>T. VCF-style: chr12-7070325-C-T. GRCh37 (hg19) VCF-style: chr12-7177629-C-T.
Other names: c.1741C>T (NM_201442.2); c.1240C>T, p.Arg414Cys (NM_001346850.2); c.1741C>T, p.Arg581Cys (NM_201442.4); short protein forms R414C, R581C.
Identifiers: ClinVar variation 1413439 (VCV001413439.7), dbSNP rs373197181, ClinGen allele CA6423836.